The following is an entry in ClinVar:

ClinVar aggregate classification (germline): Likely benign. Review status: criteria provided, multiple submitters, no conflicts (2 of 4 stars). 2 submissions from 2 submitters: Likely benign (2). Last evaluated 2025-04-21.

Conditions:
Hereditary diffuse gastric adenocarcinoma (HDGC). Also called: DIFFUSE GASTRIC AND LOBULAR BREAST CANCER SYNDROME. Identifiers: Orphanet 26106, MedGen C1708349, MONDO:0007648, OMIM 137215.

Submissions (2):

Labcorp Genetics (formerly Invitae), Labcorp
Classification: Likely benign. Last evaluated: 2025-04-21. Review status: criteria provided, single submitter. Criteria: Invitae Variant Classification Sherloc (09022015). Collection method: clinical testing. Allele origin: germline.

Myriad Genetics, Inc.
Classification: Likely benign for Hereditary diffuse gastric adenocarcinoma. Last evaluated: 2024-10-11. Review status: criteria provided, single submitter. Criteria: Myriad Autosomal Dominant, Autosomal Recessive and X-Linked Classification Criteria (2023). Collection method: clinical testing. Allele origin: unknown.
Comment: This variant is considered likely benign. This variant is intronic and is not expected to impact mRNA splicing.

NM_001903.5(CTNNA1):c.1297-11T>C

Gene: CTNNA1 (catenin alpha 1; plus strand). Cytogenetic location: 5q31.2.
Variant type: single nucleotide variant.
Coding change: c.1297-11T>C on transcript NM_001903.5 (MANE Select); 11 bases into the intron before coding-DNA position 1297, T replaced by C.
Molecular consequence: intron variant.
Genome position (GRCh38, 1-based): chr5:138,904,338, T>C. VCF-style: chr5-138904338-T-C. GRCh37 (hg19) VCF-style: chr5-138240027-T-C.
Other names: c.187-11T>C (NM_001324001.1, NM_001323994.1, NM_001323988.1 and 17 more transcripts); c.-211-11T>C (NM_001324006.1, NM_001324008.1, NM_001324007.1 and 1 more transcripts); c.187-13404T>C (NM_001324011.1); c.-57-11T>C (NM_001324012.1, NM_001324013.1); c.-60-13404T>C (NM_001324010.1); c.1297-11T>C (NM_001323982.2, NM_001323984.2, NM_001290307.3 and 2 more transcripts); c.1297-13404T>C (NM_001323986.2); c.928-11T>C (NM_001290310.3); and 1 more.
Identifiers: ClinVar variation 3654754 (VCV003654754.3).